The following is an entry in ClinVar:

NM_001376.5(DYNC1H1):c.1208A>G (p.His403Arg)

Gene: DYNC1H1 (dynein cytoplasmic 1 heavy chain 1; plus strand). Cytogenetic location: 14q32.31.
Variant type: single nucleotide variant.
Coding change: c.1208A>G on transcript NM_001376.5 (MANE Select); coding-DNA position 1208, A replaced by G.
Protein change: p.His403Arg; replaces histidine 403 with arginine.
Molecular consequence: missense variant.
Genome position (GRCh38, 1-based): chr14:101,983,265, A>G. VCF-style: chr14-101983265-A-G. GRCh37 (hg19) VCF-style: chr14-102449602-A-G.
Other names: short protein forms H403R.
Identifiers: ClinVar variation 665376 (VCV000665376.8), dbSNP rs1451197374, ClinGen allele CA391014169.

ClinVar aggregate classification (germline): Uncertain significance (1 of 4 stars; one submission).

Conditions:
Charcot-Marie-Tooth disease axonal type 2O. Also called: CHARCOT-MARIE-TOOTH NEUROPATHY, AXONAL, TYPE 2O; CHARCOT-MARIE-TOOTH DISEASE, AXONAL, AUTOSOMAL DOMINANT, TYPE 2O; Charcot-Marie-Tooth Neuropathy Type 2O; Charcot-Marie-Tooth disease, axonal, type 20. Identifiers: Orphanet 284232, MedGen C3280220, MONDO:0013644, OMIM 614228.

Allele frequency attached by ClinVar (database versions not stated): gnomAD exomes below 0.00001.
gnomAD v4.1: 2 of 1,614,258 alleles (0.00012%); highest among the groups gnomAD compares: Admixed American, 0.0017%; no homozygotes.

Submission:

Labcorp Genetics (formerly Invitae), Labcorp
Classification: Uncertain significance for Charcot-Marie-Tooth disease axonal type 2O. Last evaluated: 2018-12-25. Review status: criteria provided, single submitter. Criteria: Invitae Variant Classification Sherloc (09022015). Collection method: clinical testing. Allele origin: germline.
Comment: This sequence change replaces histidine with arginine at codon 403 of the DYNC1H1 protein (p.His403Arg). The histidine residue is highly conserved and there is a small physicochemical difference between histidine and arginine. This variant is not present in population databases (ExAC no frequency). This variant has not been reported in the literature in individuals with DYNC1H1-related conditions. Algorithms developed to predict the effect of missense changes on protein structure and function (SIFT, PolyPhen-2, Align-GVGD) all suggest that this variant is likely to be tolerated, but these predictions have not been confirmed by published functional studies and their clinical significance is uncertain. In summary, the available evidence is currently insufficient to determine the role of this variant in disease. Therefore, it has been classified as a Variant of Uncertain Significance.